The following is an entry in ClinVar:

ClinVar aggregate classification (germline): Uncertain significance (1 of 4 stars; one submission).

Conditions:
Familial adenomatous polyposis 1 (FAP1). Also called: FAMILIAL ADENOMATOUS POLYPOSIS 1, ATTENUATED; POLYPOSIS, ADENOMATOUS INTESTINAL. Identifiers: MedGen C2713442, MONDO:0021056, OMIM 175100. Disease mechanism: loss of function.

gnomAD v4.1: 1 of 1,370,634 alleles (0.000073%); highest among the groups gnomAD compares: Non-Finnish European, 0.000096%; no homozygotes.

Submission:

Labcorp Genetics (formerly Invitae), Labcorp
Classification: Uncertain significance for Familial adenomatous polyposis 1. Last evaluated: 2021-03-14. Review status: criteria provided, single submitter. Criteria: Invitae Variant Classification Sherloc (09022015). Collection method: clinical testing. Allele origin: germline.
Comment: In summary, the available evidence is currently insufficient to determine the role of this variant in disease. Therefore, it has been classified as a Variant of Uncertain Significance. Experimental studies and prediction algorithms are not available or were not evaluated, and the functional significance of this variant is currently unknown. This variant has not been reported in the literature in individuals with APC-related conditions. The frequency data for this variant in the population databases is considered unreliable, as metrics indicate insufficient coverage at this position in the ExAC database. This variant occurs in a non-coding region of the APC gene. It does not change the encoded amino acid sequence of the APC protein.

NM_001127511.3(APC):c.73T>G (p.Trp25Gly)

Gene: APC (APC regulator of Wnt signaling pathway; plus strand). Cytogenetic location: 5q22.2.
Variant type: single nucleotide variant.
Coding change: c.73T>G on transcript NM_001127511.3; coding-DNA position 73, T replaced by G.
Protein change: p.Trp25Gly; replaces tryptophan 25 with glycine.
Molecular consequence: missense variant. On other transcripts: 5 prime UTR variant (8), non-coding transcript variant (1), intron variant (5).
Genome position (GRCh38, 1-based): chr5:112,707,790, T>G. VCF-style: chr5-112707790-T-G. GRCh37 (hg19) VCF-style: chr5-112043487-T-G.
Other names: c.73T>G, p.Trp25Gly (NM_001354902.2, NM_001407446.1, NM_001354897.2); c.-111T>G (NM_001407447.1, NM_001407452.1, NM_001407456.1 and 3 more transcripts); c.-1146T>G (NM_001407470.1, NM_001407472.1); c.-19+141T>G (NM_001407448.1, NM_001407450.1, NM_001407457.1 and 1 more transcripts); c.-43+141T>G (NM_001407453.1); short protein forms W25G.
Identifiers: ClinVar variation 1516720 (VCV001516720.6), dbSNP rs2149630868, ClinGen allele CA360611858.